The following is an entry in ClinVar:

ClinVar aggregate classification (germline): Uncertain significance (1 of 4 stars; one submission).

Conditions:
Hermansky-Pudlak syndrome 2 (HPS2). Also called: Platelet defects and oculocutaneous albinism. Identifiers: Orphanet 183678, Orphanet 79430, MedGen C1842362, MONDO:0011997, OMIM 608233.

Submission:

Labcorp Genetics (formerly Invitae), Labcorp
Classification: Uncertain significance for Hermansky-Pudlak syndrome 2. Last evaluated: 2022-07-12. Review status: criteria provided, single submitter. Criteria: Invitae Variant Classification Sherloc (09022015). Collection method: clinical testing. Allele origin: germline.
Comment: ClinVar contains an entry for this variant (Variation ID: 863870). Algorithms developed to predict the effect of missense changes on protein structure and function (SIFT, PolyPhen-2, Align-GVGD) all suggest that this variant is likely to be tolerated. In summary, the available evidence is currently insufficient to determine the role of this variant in disease. Therefore, it has been classified as a Variant of Uncertain Significance. This variant has not been reported in the literature in individuals affected with AP3B1-related conditions. This sequence change replaces serine, which is neutral and polar, with arginine, which is basic and polar, at codon 778 of the AP3B1 protein (p.Ser778Arg). This variant is not present in population databases (gnomAD no frequency).

NM_003664.5(AP3B1):c.2332A>C (p.Ser778Arg)

Gene: AP3B1 (adaptor related protein complex 3 subunit beta 1; minus strand). Cytogenetic location: 5q14.1.
Variant type: single nucleotide variant.
Coding change: c.2332A>C on transcript NM_003664.5 (MANE Select); coding-DNA position 2332, A replaced by C.
Protein change: p.Ser778Arg; replaces serine 778 with arginine.
Molecular consequence: missense variant.
Genome position (GRCh38, 1-based): chr5:78,110,272, T>G on the plus strand (A>C on the coding strand, the complement: AP3B1 is on the minus strand). VCF-style: chr5-78110272-T-G. GRCh37 (hg19) VCF-style: chr5-77406096-T-G.
Other names: c.2185A>C, p.Ser729Arg (NM_001271769.2); short protein forms S778R, S729R.
Identifiers: ClinVar variation 863870 (VCV000863870.9), dbSNP rs1334114879, ClinGen allele CA360182903.